The following is an entry in ClinVar:

ClinVar aggregate classification (germline): Pathogenic (1 of 4 stars; one submission).

Conditions:
Cerebral cavernous malformation 3. Also called: Familial Cerebral Cavernous Malformation 3. Identifiers: Orphanet 221061, MedGen C1864040, MONDO:0011305, OMIM 603285.

Submission:

Labcorp Genetics (formerly Invitae), Labcorp
Classification: Pathogenic for Cerebral cavernous malformation 3. Last evaluated: 2023-11-14. Review status: criteria provided, single submitter. Criteria: Invitae Variant Classification Sherloc (09022015). Collection method: clinical testing. Allele origin: unknown.
Comment: A gross deletion of the genomic region encompassing the full coding sequence of the PDCD10 gene has been identified. Loss-of-function variants in PDCD10 are known to be pathogenic (PMID: 15543491, 18300272, 23801932). The boundaries of this event are unknown as they extend beyond the assayed region for this gene and therefore may encompass additional genes. A similar copy number variant has been observed in individual(s) with cerebral cavernous malformations (PMID: 18060436, 20623299). For these reasons, this variant has been classified as Pathogenic.

Literature cited by the submitters: PubMed 15543491; PubMed 18300272; PubMed 23801932; PubMed 18060436; PubMed 20623299.

NC_000003.11:g.(?_167402096)_(167437945_?)del

Gene: PDCD10 (programmed cell death 10; minus strand). Cytogenetic location: 3q26.1.
Variant type: Deletion.
Identifiers: ClinVar variation 3246891 (VCV003246891.1).